The following is an entry in ClinVar:

NM_001164277.2(SLC37A4):c.1000T>A (p.Leu334Met)

Gene: SLC37A4 (solute carrier family 37 member 4; minus strand). Cytogenetic location: 11q23.3.
Variant type: single nucleotide variant.
Coding change: c.1000T>A on transcript NM_001164277.2 (MANE Select); coding-DNA position 1000, T replaced by A.
Protein change: p.Leu334Met; replaces leucine 334 with methionine.
Molecular consequence: missense variant.
Genome position (GRCh38, 1-based): chr11:119,025,314, A>T on the plus strand (T>A on the coding strand, the complement: SLC37A4 is on the minus strand). VCF-style: chr11-119025314-A-T. GRCh37 (hg19) VCF-style: chr11-118896024-A-T.
Other names: c.1066T>A, p.Leu356Met (NM_001164278.2); c.781T>A, p.Leu261Met (NM_001164279.2); c.1000T>A, p.Leu334Met (NM_001164280.2, NM_001467.6); short protein forms L334M, L261M, L356M.
Identifiers: ClinVar variation 3726448 (VCV003726448.3).
Genomic context (GRCh38, chr11:119,025,314, plus strand): 5'-TGGCTATGACTCCAAACAGGGCAATGGGGCCATACGAGGAGAAACCAAATACAGCTCCCA[A>T]TACCAGGATCCAGAGCTGCCAAGGGCAGAGTGGAGTGGCATTCAGAGTCGGAAAGCCGAC-3'
Protein context (NP_001157749.1, residues 324-344): SDSPKLWILV[Leu334Met]GAVFGFSSYG

ClinVar aggregate classification (germline): Uncertain significance. Review status: criteria provided, multiple submitters, no conflicts (2 of 4 stars). 2 submissions from 2 submitters: Uncertain significance (2). Last evaluated 2025-11-06.

Conditions:
Glycogen storage disease, type I. Identifiers: Orphanet 364, MedGen C0017920, MONDO:0002413.
Glucose-6-phosphate transport defect (GSD1B). Also called: Glycogen Storage Disease Type Ib; GSD Ib. Identifiers: Orphanet 364, Orphanet 79259, MedGen C0268146, MONDO:0009288, OMIM 232220.

Submissions (2):

Myriad Genetics, Inc.
Classification: Uncertain significance for Glycogen storage disease, type I. Last evaluated: 2025-11-06. Review status: criteria provided, single submitter. Criteria: Myriad Autosomal Dominant, Autosomal Recessive and X-Linked Classification Criteria (2023). Collection method: clinical testing. Allele origin: unknown.
Comment: NM_001164277.1(SLC37A4):c.1000T>A(L334M) is a missense variant classified as a variant of uncertain significance in the context of glycogen storage disease type Ib. L334M has not been observed in cases with relevant disease. Relevant functional assessments of this variant are not available in the literature. L334M has not been observed in referenced population frequency databases. In summary, there is insufficient evidence to classify NM_001164277.1(SLC37A4):c.1000T>A(L334M) as pathogenic or benign. Please note: this variant was assessed in the context of healthy population screening.

Labcorp Genetics (formerly Invitae), Labcorp
Classification: Uncertain significance for Glucose-6-phosphate transport defect. Last evaluated: 2024-09-09. Review status: criteria provided, single submitter. Criteria: Invitae Variant Classification Sherloc (09022015). Collection method: clinical testing. Allele origin: germline.
Comment: This sequence change replaces leucine, which is neutral and non-polar, with methionine, which is neutral and non-polar, at codon 334 of the SLC37A4 protein (p.Leu334Met). This variant is not present in population databases (gnomAD no frequency). This variant has not been reported in the literature in individuals affected with SLC37A4-related conditions. Invitae Evidence Modeling of protein sequence and biophysical properties (such as structural, functional, and spatial information, amino acid conservation, physicochemical variation, residue mobility, and thermodynamic stability) indicates that this missense variant is not expected to disrupt SLC37A4 protein function with a negative predictive value of 80%. In summary, the available evidence is currently insufficient to determine the role of this variant in disease. Therefore, it has been classified as a Variant of Uncertain Significance.